The following is an entry in ClinVar:

NM_001382567.1(STIM1):c.454G>A (p.Glu152Lys)

Gene: STIM1 (stromal interaction molecule 1; plus strand). Cytogenetic location: 11p15.4.
Variant type: single nucleotide variant.
Coding change: c.454G>A on transcript NM_001382567.1 (MANE Select); coding-DNA position 454, G replaced by A.
Protein change: p.Glu152Lys; replaces glutamic acid 152 with lysine.
Molecular consequence: missense variant. On other transcripts: 5 prime UTR variant (2), non-coding transcript variant (3), intron variant (2).
Genome position (GRCh38, 1-based): chr11:4,055,594, G>A. VCF-style: chr11-4055594-G-A. GRCh37 (hg19) VCF-style: chr11-4076824-G-A.
Other names: c.454G>A, p.Glu152Lys (NM_001277961.3, NM_001277962.2, NM_001382568.1 and 2 more transcripts); c.232G>A, p.Glu78Lys (NM_001382566.1, NM_001382573.1, NM_001382574.1 and 5 more transcripts); c.319G>A, p.Glu107Lys (NM_001382569.1); c.-36G>A (NM_001382580.1, NM_001382581.1); c.386-14432G>A (NM_001382570.1); c.18-3687G>A (NM_001382571.1); short protein forms E152K, E107K, E78K.
Identifiers: ClinVar variation 569843 (VCV000569843.16), dbSNP rs143916878, ClinGen allele CA5830222.

ClinVar aggregate classification (germline): Conflicting classifications of pathogenicity. Review status: criteria provided, conflicting classifications (1 of 4 stars). 6 submissions from 6 submitters: Uncertain significance (5); Benign (1). Last evaluated 2026-08-03.

Conditions:
Myopathy, tubular aggregate, 1 (TAM1). Identifiers: MedGen C4011726, MONDO:0024531, OMIM 160565.
STIM1-related disorder. Also called: STIM1-related condition.
Myopathy with tubular aggregates (TAM). Also called: Tubular Aggregate Myopathy. Identifiers: Orphanet 2593, MedGen C0410207, MONDO:0008051.
Combined immunodeficiency due to STIM1 deficiency. Also called: STIM1 DEFICIENCY; IMMUNODEFICIENCY 10. Identifiers: Orphanet 169090, Orphanet 317430, MedGen C2748557, MONDO:0013008, OMIM 612783.
Stormorken syndrome (STRMK). Also called: THROMBOCYTOPATHY, ASPLENIA, AND MIOSIS. Identifiers: Orphanet 3204, MedGen C1861451, MONDO:0008497, OMIM 185070.

Allele frequency attached by ClinVar (database versions not stated): gnomAD exomes 0.00004 and 0.00011; TOPMed 0.00009; gnomAD 0.00013 and 0.00019; ESP Exome Variant Server 0.00023; ExAC 0.00024; 1000 Genomes Project 30x 0.00062; 1000 Genomes Project 0.00080.
gnomAD v4.1: 100 of 1,598,928 alleles (0.0063%); highest among the groups gnomAD compares: East Asian, 0.049%; 2 homozygotes.

Submissions (6):

PreventionGenetics, part of Exact Sciences
Classification: Uncertain significance for STIM1-related condition. Last evaluated: 2026-08-03. Review status: criteria provided, single submitter. Criteria: ACMG Guidelines, 2015. Collection method: clinical testing. Allele origin: germline.
Comment: The STIM1 c.454G>A variant is predicted to result in the amino acid substitution p.Glu152Lys. This variant was reported in three individuals with chronic pancreatitis who also had potentially causative variants in other genes, and functional studies demonstrated it led to increased Ca2+ release in the endoplasmic reticulum of patient fibroblasts (Burgos et al. 2021. PubMed ID: 33468626). This variant is reported in 0.059% of alleles in individuals of East Asian descent in gnomAD, including two homozygotes in the larger gnomAD v4.1.0 database. At this time, the clinical significance of this variant is uncertain due to the absence of conclusive functional and genetic evidence.

Labcorp Genetics (formerly Invitae), Labcorp
Classification: Benign for Myopathy with tubular aggregates; Combined immunodeficiency due to STIM1 deficiency; Stormorken syndrome. Last evaluated: 2026-01-22. Review status: criteria provided, single submitter. Criteria: Invitae Variant Classification Sherloc (09022015). Collection method: clinical testing. Allele origin: germline.

Women's Health and Genetics/Laboratory Corporation of America, LabCorp
Classification: Uncertain significance. Last evaluated: 2025-01-28. Review status: criteria provided, single submitter. Criteria: LabCorp Variant Classification Summary - May 2015. Collection method: clinical testing. Allele origin: germline.
Comment: Variant summary: STIM1 c.454G>A (p.Glu152Lys) results in a conservative amino acid change located in the Sterile alpha motif/pointed domain of the encoded protein sequence. Four of five in-silico tools predict a benign effect of the variant on protein function. The variant allele was found at a frequency of 0.00011 in 226676 control chromosomes in the gnomAD database, including 1 homozygotes. This frequency is not significantly higher than estimated for a pathogenic variant in STIM1 causing STIM1-Related Disorders, allowing no conclusion about variant significance. c.454G>A has been reported in the literature in heterozygous state in individuals affected with pancreatitis (example: Burgos_2021). These report(s) do not provide unequivocal conclusions about association of the variant with STIM1-Related Disorders. At least one publication reports experimental evidence that this variant changes the normal function of the protein (example: Burgos_2021). The following publication has been ascertained in the context of this evaluation (PMID: 33468626). ClinVar contains an entry for this variant (Variation ID: 569843). Based on the evidence outlined above, the variant was classified as uncertain significance.

Genetics and Genomic Medicine Centre, NeuroGen Healthcare, NeuroGen Healthcare
Classification: Uncertain significance for Myopathy, tubular aggregate, 1. Last evaluated: 2024-06-25. Review status: criteria provided, single submitter. Criteria: ACMG Guidelines, 2015. Collection method: clinical testing. Allele origin: unknown. Affected: yes.

GeneDx
Classification: Uncertain significance. Last evaluated: 2024-03-11. Review status: criteria provided, single submitter. Criteria: GeneDx Variant Classification Process June 2021. Collection method: clinical testing. Allele origin: germline.
Comment: Published functional studies demonstrate a damaging effect, as the E152K variant in the heterozygous form deregulates Ca2+ signaling, increasing cytotoxicity in transfected cells (PMID: 33468626); Has not been previously published as pathogenic or benign in association with neuromuscular disorders to our knowledge; In silico analysis supports that this missense variant does not alter protein structure/function; This variant is associated with the following publications: (PMID: 33468626, 36651592)

Fulgent Genetics
Classification: Uncertain significance for Myopathy, tubular aggregate, 1; Stormorken syndrome; Combined immunodeficiency due to STIM1 deficiency. Last evaluated: 2024-01-17. Review status: criteria provided, single submitter. Criteria: ACMG Guidelines, 2015. Collection method: clinical testing. Allele origin: germline.

Literature cited by the submitters: PubMed 33468626 (cited by Women's Health and Genetics/Laboratory Corporation of America, LabCorp).